The following is an entry in ClinVar:

ClinVar aggregate classification (germline): Likely benign. Review status: criteria provided, multiple submitters, no conflicts (2 of 4 stars). 2 submissions from 2 submitters: Likely benign (2). Last evaluated 2026-09-01.

gnomAD v4.1: 837 of 1,613,960 alleles (0.052%); highest among the groups gnomAD compares: Middle Eastern, 0.23%; 2 homozygotes.

Submissions (2):

CeGaT Center for Human Genetics Tuebingen
Classification: Likely benign. Last evaluated: 2026-09-01. Review status: criteria provided, single submitter. Criteria: CeGaT Center For Human Genetics Tuebingen Variant Classification Criteria Version 2. Collection method: clinical testing. Allele origin: germline. Affected: yes. Observed: 2 variant alleles.
Comment: AGO2: BP4, BP7

Blueprint Genetics
Classification: Likely benign. Last evaluated: 2024-11-22. Review status: criteria provided, single submitter. Criteria: ACMG Guidelines, 2015. Collection method: clinical testing. Allele origin: germline.

NM_012154.5(AGO2):c.1245G>A (p.Pro415=)

Gene: AGO2 (argonaute RISC catalytic component 2; minus strand). Cytogenetic location: 8q24.3.
Variant type: single nucleotide variant.
Coding change: c.1245G>A on transcript NM_012154.5 (MANE Select); coding-DNA position 1245, G replaced by A.
Protein change: p.Pro415=; no amino-acid change (proline 415 retained).
Molecular consequence: synonymous variant.
Genome position (GRCh38, 1-based): chr8:140,555,920, C>T on the plus strand (G>A on the coding strand, the complement: AGO2 is on the minus strand). VCF-style: chr8-140555920-C-T. GRCh37 (hg19) VCF-style: chr8-141566019-C-T.
Other names: c.1245G>A, p.Pro415= (NM_001164623.3).
Identifiers: ClinVar variation 4872531 (VCV004872531.3).
Genomic context (GRCh38, chr8:140,555,920, plus strand): 5'-CCCGCAGCCACACGTTCCCCGCCGCCCCACACGTACCCTGCCCCCGTAGAGGATGGAGGG[C>T]GGCTGCAGCACCCGCCCAGTCACGTCTGTCATCTCATCTTTGACCATGATTCCAAATTCA-3'
Protein context (NP_036286.2, residues 405-425): MTDVTGRVLQ[Pro415=]PSILYGGRNK